The following is an entry in ClinVar:

ClinVar aggregate classification (germline): Uncertain significance (1 of 4 stars; one submission).

Conditions:
Charcot-Marie-Tooth disease axonal type 2C (HMSN2C). Also called: Charcot-Marie-Tooth Disease Type 2, TRPV4-Related (CMT2C); CHARCOT-MARIE-TOOTH DISEASE, AXONAL, AUTOSOMAL DOMINANT, TYPE 2C; Charcot-Marie-Tooth Neuropathy Type 2C. Identifiers: Orphanet 99937, MedGen C1853710, MONDO:0011633, OMIM 606071.

gnomAD v4.1: 7 of 1,606,756 alleles (0.00044%); highest among the groups gnomAD compares: Admixed American, 0.0017%; no homozygotes.

Submission:

Labcorp Genetics (formerly Invitae), Labcorp
Classification: Uncertain significance for Charcot-Marie-Tooth disease axonal type 2C. Last evaluated: 2025-09-03. Review status: criteria provided, single submitter. Criteria: Invitae Variant Classification Sherloc (09022015). Collection method: clinical testing. Allele origin: germline.
Comment: This sequence change affects a donor splice site in intron 9 of the TRPV4 gene. It is expected to disrupt RNA splicing. Variants that disrupt the donor or acceptor splice site typically lead to a loss of protein function (PMID: 16199547), however the current clinical and genetic evidence is not sufficient to establish whether loss-of-function variants in TRPV4 cause disease. The frequency data for this variant in the population databases is considered unreliable, as metrics indicate poor data quality at this position in the gnomAD database. This variant has not been reported in the literature in individuals affected with TRPV4-related conditions. ClinVar contains an entry for this variant (Variation ID: 965025). Algorithms developed to predict the effect of sequence changes on RNA splicing suggest that this variant may disrupt the consensus splice site. In summary, the available evidence is currently insufficient to determine the role of this variant in disease. Therefore, it has been classified as a Variant of Uncertain Significance.

Literature cited by the submitters: PubMed 16199547.

NM_021625.5(TRPV4):c.1584+1G>C

Gene: TRPV4 (transient receptor potential cation channel subfamily V member 4; minus strand). Cytogenetic location: 12q24.11.
Variant type: single nucleotide variant.
Coding change: c.1584+1G>C on transcript NM_021625.5 (MANE Select); the canonical splice donor site of the intron after coding-DNA position 1584, G replaced by C.
Molecular consequence: splice donor variant.
Genome position (GRCh38, 1-based): chr12:109,793,929, C>G on the plus strand (G>C on the coding strand, the complement: TRPV4 is on the minus strand). VCF-style: chr12-109793929-C-G. GRCh37 (hg19) VCF-style: chr12-110231734-C-G.
Other names: c.1263+1G>C (NM_001177433.1); c.1443+1G>C (NM_001177428.1); c.1404+1G>C (NM_147204.2); c.1482+1G>C (NM_001177431.1).
Identifiers: ClinVar variation 965025 (VCV000965025.6), dbSNP rs775922797, ClinGen allele CA6780182.